The following is an entry in ClinVar:

NM_181486.4(TBX5):c.376_402del (p.Lys126_Arg134del)

Gene: TBX5 (T-box transcription factor 5; minus strand). Cytogenetic location: 12q24.21.
Variant type: Deletion.
Coding change: c.376_402del on transcript NM_181486.4 (MANE Select); coding-DNA positions 376 to 402, 27 bases deleted (AAAGCTGAGCCCGCCATGCCTGGCCGC).
Protein change: p.Lys126_Arg134del.
Molecular consequence: inframe deletion.
Genome position (GRCh38, 1-based): chr12:114,398,681-114,398,707, GCGGCCAGGCATGGCGGGCTCAGCTTT deleted on the plus strand (AAAGCTGAGCCCGCCATGCCTGGCCGC on the coding strand, the reverse complement: TBX5 is on the minus strand); deleting any 27 consecutive bases within chr12:114,398,681-114,398,709 gives the same sequence; the c. name uses the placement nearest the transcript's 3' end. VCF-style (leftmost placement, unchanged base first): chr12-114398680-GGCGGCCAGGCATGGCGGGCTCAGCTTT-G. GRCh37 (hg19) VCF-style: chr12-114836485-GGCGGCCAGGCATGGCGGGCTCAGCTTT-G.
Other names: c.376_402del27 (NM_000192.3); c.376_402del, p.Lys126_Arg134del (NM_000192.3); c.226_252del, p.Lys76_Arg84del (NM_080717.4); c.376_402delAAAGCTGAGCCCGCCATGCCTGGCCGC (NM_000192.3).
Identifiers: ClinVar variation 213826 (VCV000213826.2), dbSNP rs863223782, ClinGen allele CA319857.
Genomic context (GRCh38, chr12:114,398,680, plus strand): 5'-AGGAGACGAGCTGCCTCATCCAATGCGCCCCGGTGGCGGGGGAGTCTGGGTGCACGTACA[GGCGGCCAGGCATGGCGGGCTCAGCTTT>G]GCCCGTCACAGACCTAGATGAAGGAGAGGTGTACTAGAGGCCTGGCTCAGAGTCTGGAGG-3'

ClinVar aggregate classification (germline): Likely pathogenic (1 of 4 stars; one submission).

Submission:

GeneDx
Classification: Likely pathogenic. Last evaluated: 2015-03-30. Review status: criteria provided, single submitter. Criteria: GeneDx Variant Classification (06012015). Collection method: clinical testing. Allele origin: germline. Affected: yes.
Comment: The c.376_402delAAAGCTGAGCCCGCCATGCCTGGCCGC variant has not been published as a mutation, nor has it been reported as a benign polymorphism to our knowledge. The c.376_402del27 variant was not observed in approximately 6,500 individuals of European and African American ancestry in the NHLBI Exome Sequencing Project, indicating it is not a common benign variant in these populations. The c.376_402del27 variant is an in-frame deletion that results in the loss of 9 amino acids, denoted p.Lys126_Arg134del, within the T-box domain. The residues removed by this deletion are conserved across species. In addition, missense mutations in nearby residues (W121G, G125R, G169R) have been reported in association with Holt-Oram syndrome, supporting the functional importance of this region of the protein. Therefore, this variant is a strong candidate for a pathogenic mutation, however the possibility that it is a benign variant cannot be excluded.